The following is an entry in ClinVar:

ClinVar aggregate classification (germline): Uncertain significance. Review status: criteria provided, multiple submitters, no conflicts (2 of 4 stars). 7 submissions from 7 submitters: Uncertain significance (6). 1 of the submissions does not count toward it. Last evaluated 2026-09-23.

Conditions:
ELP1-related disorder. Also called: ELP1-related condition.
Medulloblastoma (MDB). Also called: Medulloblastoma, somatic; MEDULLOBLASTOMA PREDISPOSITION SYNDROME. Identifiers: Orphanet 616, MedGen C0025149, MeSH D008527, MONDO:0007959, OMIM 155255, HP:0002885.
Familial dysautonomia. Also called: FD; HSAN III. Identifiers: Orphanet 1764, MedGen C0013364, MONDO:0009131, OMIM 223900. Disease mechanism: loss of function.

Allele frequency attached by ClinVar (database versions not stated): gnomAD exomes 0.00012; ExAC 0.00016; ESP Exome Variant Server 0.00023; 1000 Genomes Project 30x 0.00031; gnomAD 0.00043 and 0.00048; TOPMed 0.00046.
gnomAD v4.1: 183 of 1,613,586 alleles (0.011%); highest among the groups gnomAD compares: African/African-American, 0.15%; no homozygotes.

Submissions (7):

PreventionGenetics, part of Exact Sciences
Classification: Uncertain significance for ELP1-related condition. Last evaluated: 2026-09-23. Review status: criteria provided, single submitter. Criteria: ACMG Guidelines, 2015. Collection method: clinical testing. Allele origin: germline.
Comment: The ELP1 c.1913C>T variant is predicted to result in the amino acid substitution p.Ala638Val. To our knowledge, this variant has not been reported in the literature. However, this variant is reported in 0.14% of alleles in individuals of African descent in gnomAD, which may be too frequent to be a primary cause of disease. Although we suspect that this variant may be benign, at this time, the clinical significance of this variant is uncertain due to the absence of conclusive functional and genetic evidence.

GeneDx
Classification: Uncertain significance. Last evaluated: 2025-11-11. Review status: criteria provided, single submitter. Criteria: GeneDx Variant Classification Process June 2021. Collection method: clinical testing. Allele origin: germline.
Comment: In silico analysis supports that this missense variant has a deleterious effect on protein structure/function; Has not been previously published as pathogenic or benign to our knowledge

Labcorp Genetics (formerly Invitae), Labcorp
Classification: Uncertain significance. Last evaluated: 2024-11-24. Review status: criteria provided, single submitter. Criteria: Invitae Variant Classification Sherloc (09022015). Collection method: clinical testing. Allele origin: germline.
Comment: This sequence change replaces alanine, which is neutral and non-polar, with valine, which is neutral and non-polar, at codon 638 of the ELP1 protein (p.Ala638Val). This variant is present in population databases (rs144370288, gnomAD 0.1%). This variant has not been reported in the literature in individuals affected with ELP1-related conditions. ClinVar contains an entry for this variant (Variation ID: 990650). Invitae Evidence Modeling of protein sequence and biophysical properties (such as structural, functional, and spatial information, amino acid conservation, physicochemical variation, residue mobility, and thermodynamic stability) has been performed for this missense variant. However, the output from this modeling did not meet the statistical confidence thresholds required to predict the impact of this variant on ELP1 protein function. In summary, the available evidence is currently insufficient to determine the role of this variant in disease. Therefore, it has been classified as a Variant of Uncertain Significance.

Ambry Genetics
Classification: Uncertain significance. Last evaluated: 2024-03-14. Review status: criteria provided, single submitter. Criteria: Ambry Variant Classification Scheme 2023. Collection method: clinical testing. Allele origin: germline.
Comment: The p.A638V variant (also known as c.1913C>T), located in coding exon 17 of the IKBKAP gene, results from a C to T substitution at nucleotide position 1913. The alanine at codon 638 is replaced by valine, an amino acid with similar properties. This amino acid position is highly conserved in available vertebrate species. In addition, the in silico prediction for this alteration is inconclusive. Since supporting evidence is limited at this time, the clinical significance of this alteration remains unclear.

Fulgent Genetics
Classification: Uncertain significance for Medulloblastoma; Familial dysautonomia. Last evaluated: 2024-01-22. Review status: criteria provided, single submitter. Criteria: ACMG Guidelines, 2015. Collection method: clinical testing. Allele origin: germline.

St. Jude Molecular Pathology, St. Jude Children's Research Hospital
Classification: Uncertain significance for Medulloblastoma. Last evaluated: 2022-08-10. Review status: criteria provided, single submitter. Criteria: St. Jude Assertion Criteria 2020. Collection method: clinical testing. Allele origin: germline.
Comment: The ELP1 c.1913C>T (p.Ala638Val) missense change has a maximum subpopulation frequency of 0.14% in gnomAD v2.1.1. The in silico tool REVEL predicts a benign effect of this variant on protein function, and to our knowledge functional studies have not been performed. To our knowledge, this variant has not been reported in individuals with a personal or family history of medulloblastoma. In summary, the evidence currently available is insufficient to determine the clinical significance of this variant. It has therefore been classified as of uncertain significance.

Natera, Inc.
Classification: Uncertain significance for Familial dysautonomia. Last evaluated: 2020-07-30. Review status: no assertion criteria provided. Collection method: clinical testing. Allele origin: germline. Not counted in ClinVar's aggregate classification.

NM_003640.5(ELP1):c.1913C>T (p.Ala638Val)

Gene: ELP1 (elongator acetyltransferase complex subunit 1; minus strand). Cytogenetic location: 9q31.3.
Variant type: single nucleotide variant.
Coding change: c.1913C>T on transcript NM_003640.5 (MANE Select); coding-DNA position 1913, C replaced by T.
Protein change: p.Ala638Val; replaces alanine 638 with valine.
Molecular consequence: missense variant.
Genome position (GRCh38, 1-based): chr9:108,901,526, G>A on the plus strand (C>T on the coding strand, the complement: ELP1 is on the minus strand). VCF-style: chr9-108901526-G-A. GRCh37 (hg19) VCF-style: chr9-111663806-G-A.
Other names: c.1571C>T, p.Ala524Val (NM_001318360.2); c.866C>T, p.Ala289Val (NM_001330749.2); c.1913C>T (NM_003640.4, NM_003640.3); short protein forms A289V, A524V, A638V.
Identifiers: ClinVar variation 990650 (VCV000990650.12), dbSNP rs144370288, ClinGen allele CA5174836.